The following is an entry in ClinVar:

NM_005228.5(EGFR):c.3401G>A (p.Gly1134Asp)

Gene: EGFR (epidermal growth factor receptor; plus strand). Cytogenetic location: 7p11.2.
Variant type: single nucleotide variant.
Coding change: c.3401G>A on transcript NM_005228.5 (MANE Select); coding-DNA position 3401, G replaced by A.
Protein change: p.Gly1134Asp; replaces glycine 1134 with aspartic acid.
Molecular consequence: missense variant.
Genome position (GRCh38, 1-based): chr7:55,205,385, G>A. VCF-style: chr7-55205385-G-A. GRCh37 (hg19) VCF-style: chr7-55273078-G-A.
Other names: c.3266G>A, p.Gly1089Asp (NM_001346899.2); c.3242G>A, p.Gly1081Asp (NM_001346900.2); c.2600G>A, p.Gly867Asp (NM_001346941.2); short protein forms G1081D, G1089D, G1134D, G867D.
Identifiers: ClinVar variation 1319891 (VCV001319891.7), dbSNP rs865825533, ClinGen allele CA158940555.
Genomic context (GRCh38, chr7:55,205,385, plus strand): 5'-CTCTGAACCCCGCGCCCAGCAGAGACCCACACTACCAGGACCCCCACAGCACTGCAGTGG[G>A]CAACCCCGAGTATCTCAACACTGTCCAGCCCACCTGTGTCAACAGCACATTCGACAGCCC-3'
Protein context (NP_005219.2, residues 1124-1144): HYQDPHSTAV[Gly1134Asp]NPEYLNTVQP

ClinVar aggregate classification (germline): Conflicting classifications of pathogenicity. Review status: criteria provided, conflicting classifications (1 of 4 stars). 3 submissions from 3 submitters: Uncertain significance (2); Likely benign (1). Last evaluated 2025-02-24.

Conditions:
Hereditary cancer-predisposing syndrome. Also called: Hereditary neoplastic syndrome; Neoplastic Syndromes, Hereditary; Tumor predisposition; Hereditary Cancer Syndrome. Identifiers: Orphanet 140162, MedGen C0027672, MeSH D009386, MONDO:0015356.
EGFR-related lung cancer (EGFR). Identifiers: MedGen CN130014.

Allele frequency attached by ClinVar (database versions not stated): TOPMed 0.00004.
gnomAD v4.1: 4 of 1,613,940 alleles (0.00025%); highest among the groups gnomAD compares: African/African-American, 0.004%; no homozygotes.

Submissions (3):

Ambry Genetics
Classification: Likely benign for Hereditary cancer-predisposing syndrome. Last evaluated: 2025-02-24. Review status: criteria provided, single submitter. Criteria: Ambry Variant Classification Scheme 2023. Collection method: clinical testing. Allele origin: germline.

Labcorp Genetics (formerly Invitae), Labcorp
Classification: Uncertain significance for EGFR-related lung cancer. Last evaluated: 2025-01-23. Review status: criteria provided, single submitter. Criteria: Invitae Variant Classification Sherloc (09022015). Collection method: clinical testing. Allele origin: germline.
Comment: This sequence change replaces glycine, which is neutral and non-polar, with aspartic acid, which is acidic and polar, at codon 1134 of the EGFR protein (p.Gly1134Asp). This variant is present in population databases (no rsID available, gnomAD 0.007%). This variant has not been reported in the literature in individuals affected with EGFR-related conditions. ClinVar contains an entry for this variant (Variation ID: 1319891). An algorithm developed to predict the effect of missense changes on protein structure and function outputs the following: PolyPhen-2: "Benign". The aspartic acid amino acid residue is found in multiple mammalian species, which suggests that this missense change does not adversely affect protein function. In summary, the available evidence is currently insufficient to determine the role of this variant in disease. Therefore, it has been classified as a Variant of Uncertain Significance.

Institute for Clinical Genetics, University Hospital TU Dresden, University Hospital TU Dresden
Classification: Uncertain significance. Last evaluated: 2021-11-03. Review status: criteria provided, single submitter. Criteria: ACMG Guidelines, 2015. Collection method: clinical testing. Allele origin: germline.